The following is an entry in ClinVar:

NM_000035.4(ALDOB):c.61C>T (p.Gln21Ter)

Gene: ALDOB (aldolase, fructose-bisphosphate B; minus strand). Cytogenetic location: 9q31.1.
Variant type: single nucleotide variant.
Coding change: c.61C>T on transcript NM_000035.4 (MANE Select); coding-DNA position 61, C replaced by T.
Protein change: p.Gln21Ter; replaces glutamine 21 with a stop codon.
Molecular consequence: nonsense.
Genome position (GRCh38, 1-based): chr9:101,430,827, G>A on the plus strand (C>T on the coding strand, the complement: ALDOB is on the minus strand). VCF-style: chr9-101430827-G-A. GRCh37 (hg19) VCF-style: chr9-104193109-G-A.
Other names: short protein forms Q21*.
Identifiers: ClinVar variation 1410748 (VCV001410748.8), dbSNP rs2118366288, ClinGen allele CA374266194.

ClinVar aggregate classification (germline): Pathogenic/Likely pathogenic. Review status: criteria provided, multiple submitters, no conflicts (2 of 4 stars). 3 submissions from 3 submitters: Pathogenic (1); Likely pathogenic (2). Last evaluated 2024-03-08.

Conditions:
Hereditary fructosuria. Also called: Fructose intolerance; Hereditary fructose intolerance; ALDOB DEFICIENCY; ALDOLASE B DEFICIENCY; FRUCTOSE-1,6-BISPHOSPHATE ALDOLASE B DEFICIENCY; FRUCTOSE-1-PHOSPHATE ALDOLASE DEFICIENCY. Identifiers: Orphanet 469, MedGen C0016751, MONDO:0009249, OMIM 229600, HP:0005973. Disease mechanism: loss of function.

Submissions (3):

Fulgent Genetics
Classification: Likely pathogenic for Hereditary fructosuria. Last evaluated: 2024-03-08. Review status: criteria provided, single submitter. Criteria: ACMG Guidelines, 2015. Collection method: clinical testing. Allele origin: germline.

Baylor Genetics
Classification: Likely pathogenic for Hereditary fructosuria. Last evaluated: 2023-06-01. Review status: criteria provided, single submitter. Criteria: ACMG Guidelines, 2015. Collection method: clinical testing. Allele origin: unknown.

Labcorp Genetics (formerly Invitae), Labcorp
Classification: Pathogenic for Hereditary fructosuria. Last evaluated: 2021-08-11. Review status: criteria provided, single submitter. Criteria: Invitae Variant Classification Sherloc (09022015). Collection method: clinical testing. Allele origin: germline.
Comment: For these reasons, this variant has been classified as Pathogenic. This variant has not been reported in the literature in individuals affected with ALDOB-related conditions. This variant is not present in population databases (ExAC no frequency). This sequence change creates a premature translational stop signal (p.Gln21*) in the ALDOB gene. It is expected to result in an absent or disrupted protein product. Loss-of-function variants in ALDOB are known to be pathogenic (PMID: 18541450).

Literature cited by the submitters: PubMed 18541450 (cited by Labcorp Genetics (formerly Invitae), Labcorp).